The following is an entry in ClinVar:

ClinVar aggregate classification (germline): Uncertain significance (1 of 4 stars; one submission).

Conditions:
Hereditary breast ovarian cancer syndrome. Also called: Hereditary breast and ovarian cancer syndrome (HBOC); Hereditary breast and ovarian cancer syndrome; Hereditary breast and/or ovarian cancer syndrome; Hereditary breast and ovarian cancer; Breast and ovarian cancer; BRCA1- and BRCA2-Associated Hereditary Breast and Ovarian Cancer. Identifiers: Orphanet 145, MedGen C0677776, MeSH D061325, MONDO:0003582. Disease mechanism: loss of function.

Submission:

Labcorp Genetics (formerly Invitae), Labcorp
Classification: Uncertain significance for Hereditary breast ovarian cancer syndrome. Last evaluated: 2023-04-14. Review status: criteria provided, single submitter. Criteria: Invitae Variant Classification Sherloc (09022015). Collection method: clinical testing. Allele origin: germline.
Comment: In summary, the available evidence is currently insufficient to determine the role of this variant in disease. Therefore, it has been classified as a Variant of Uncertain Significance. This sequence change replaces lysine, which is basic and polar, with glutamic acid, which is acidic and polar, at codon 689 of the BRCA2 protein (p.Lys689Glu). This variant is not present in population databases (gnomAD no frequency). This variant has not been reported in the literature in individuals affected with BRCA2-related conditions. Advanced modeling of protein sequence and biophysical properties (such as structural, functional, and spatial information, amino acid conservation, physicochemical variation, residue mobility, and thermodynamic stability) performed at Invitae indicates that this missense variant is not expected to disrupt BRCA2 protein function.

NM_000059.4(BRCA2):c.2065A>G (p.Lys689Glu)

Gene: BRCA2 (BRCA2 DNA repair associated; plus strand). Cytogenetic location: 13q13.1.
Variant type: single nucleotide variant.
Coding change: c.2065A>G on transcript NM_000059.4 (MANE Select); coding-DNA position 2065, A replaced by G.
Protein change: p.Lys689Glu; replaces lysine 689 with glutamic acid.
Molecular consequence: missense variant. On other transcripts: non-coding transcript variant (1), intron variant (2).
Genome position (GRCh38, 1-based): chr13:32,336,420, A>G. VCF-style: chr13-32336420-A-G. GRCh37 (hg19) VCF-style: chr13-32910557-A-G.
Other names: c.2065A>G, p.Lys689Glu (NM_001406719.1, NM_001406720.1); c.1909+3033A>G (NM_001406721.1); c.424+5390A>G (NM_001406722.1); short protein forms K689E.
Identifiers: ClinVar variation 2855995 (VCV002855995.3), dbSNP rs2137482978, ClinGen allele CA387769036.